The following is an entry in ClinVar:

ClinVar aggregate classification (germline): Pathogenic/Likely pathogenic. Review status: criteria provided, multiple submitters, no conflicts (2 of 4 stars). 2 submissions from 2 submitters: Pathogenic (1); Likely pathogenic (1). Last evaluated 2024-04-04.

Conditions:
Fraser syndrome 1 (FRASRS1). Also called: CRYPTOPHTHALMOS WITH OTHER MALFORMATIONS. Identifiers: Orphanet 2052, MedGen C4551480, MONDO:0054737, OMIM 219000.

Submissions (2):

Fulgent Genetics
Classification: Likely pathogenic for Fraser syndrome 1. Last evaluated: 2024-04-04. Review status: criteria provided, single submitter. Criteria: ACMG Guidelines, 2015. Collection method: clinical testing. Allele origin: germline.

Labcorp Genetics (formerly Invitae), Labcorp
Classification: Pathogenic. Last evaluated: 2023-09-19. Review status: criteria provided, single submitter. Criteria: Invitae Variant Classification Sherloc (09022015). Collection method: clinical testing. Allele origin: germline.
Comment: This sequence change creates a premature translational stop signal (p.Cys1068*) in the FRAS1 gene. It is expected to result in an absent or disrupted protein product. Loss-of-function variants in FRAS1 are known to be pathogenic (PMID: 12766769, 18671281). This variant is present in population databases (rs754797599, gnomAD 0.0009%). This variant has not been reported in the literature in individuals affected with FRAS1-related conditions. For these reasons, this variant has been classified as Pathogenic.

Literature cited by the submitters: PubMed 12766769 (cited by Labcorp Genetics (formerly Invitae), Labcorp); PubMed 18671281 (cited by Labcorp Genetics (formerly Invitae), Labcorp).

NM_025074.7(FRAS1):c.3204_3205del (p.Cys1068_Asp1069delinsTer)

Gene: FRAS1 (Fraser extracellular matrix complex subunit 1; plus strand). Cytogenetic location: 4q21.21.
Variant type: Microsatellite.
Coding change: c.3204_3205del on transcript NM_025074.7 (MANE Select); coding-DNA positions 3204 to 3205, 2 bases deleted (TG; older notation c.3204_3205delTG).
Protein change: p.Cys1068_Asp1069delinsTer.
Molecular consequence: nonsense.
Genome position (GRCh38, 1-based): chr4:78,375,791-78,375,792, TG deleted; deleting any 2 consecutive bases within chr4:78,375,789-78,375,792 gives the same sequence; the c. name uses the placement nearest the transcript's 3' end. VCF-style (leftmost placement, unchanged base first): chr4-78375788-CTG-C. GRCh37 (hg19) VCF-style: chr4-79296942-CTG-C.
Other names: c.3204_3205del, p.Cys1068_Asp1069delinsTer (NM_001166133.2).
Identifiers: ClinVar variation 2971197 (VCV002971197.4), dbSNP rs754797599, ClinGen allele CA2976870.